The following is an entry in ClinVar:

NM_012434.5(SLC17A5):c.1111+137A>G

Gene: SLC17A5 (solute carrier family 17 member 5; minus strand). Cytogenetic location: 6q13.
Variant type: single nucleotide variant.
Coding change: c.1111+137A>G on transcript NM_012434.5 (MANE Select); 137 bases into the intron after coding-DNA position 1111, A replaced by G.
Molecular consequence: intron variant.
Genome position (GRCh38, 1-based): chr6:73,615,178, T>C on the plus strand (A>G on the coding strand, the complement: SLC17A5 is on the minus strand). VCF-style: chr6-73615178-T-C. GRCh37 (hg19) VCF-style: chr6-74324901-T-C.
Identifiers: ClinVar variation 672021 (VCV000672021.1), dbSNP rs615956, ClinGen allele CA12402795.

ClinVar aggregate classification (germline): Benign (1 of 4 stars; one submission).

Allele frequency attached by ClinVar (database versions not stated): gnomAD exomes 0.43555; 1000 Genomes Project 0.43890; 1000 Genomes Project 30x 0.44925; gnomAD 0.47868 and 0.48639; TOPMed 0.49219.
gnomAD v4.1: 418,225 of 945,154 alleles (44%); highest among the groups gnomAD compares: African/African-American, 58%; 95,119 homozygotes.

Submission:

GeneDx
Classification: Benign. Last evaluated: 2018-06-19. Review status: criteria provided, single submitter. Criteria: GeneDx Variant Classification (06012015). Collection method: clinical testing. Allele origin: germline. Affected: yes.
Comment: This variant is considered likely benign or benign based on one or more of the following criteria: it is a conservative change, it occurs at a poorly conserved position in the protein, it is predicted to be benign by multiple in silico algorithms, and/or has population frequency not consistent with disease.